The following is an entry in ClinVar:

ClinVar aggregate classification (germline): Uncertain significance (1 of 4 stars; one submission).

Allele frequency attached by ClinVar (database versions not stated): gnomAD exomes below 0.00001 and 0.00001; gnomAD 0.00001; ExAC 0.00004.
gnomAD v4.1: 6 of 1,590,410 alleles (0.00038%); highest among the groups gnomAD compares: East Asian, 0.014%; no homozygotes.

Submission:

Labcorp Genetics (formerly Invitae), Labcorp
Classification: Uncertain significance. Last evaluated: 2024-10-14. Review status: criteria provided, single submitter. Criteria: Invitae Variant Classification Sherloc (09022015). Collection method: clinical testing. Allele origin: germline.
Comment: This sequence change replaces arginine, which is basic and polar, with lysine, which is basic and polar, at codon 451 of the MYO18B protein (p.Arg451Lys). This variant is present in population databases (rs755160843, gnomAD 0.03%). This variant has not been reported in the literature in individuals affected with MYO18B-related conditions. ClinVar contains an entry for this variant (Variation ID: 1507717). An algorithm developed to predict the effect of missense changes on protein structure and function outputs the following: PolyPhen-2: "Benign". The lysine amino acid residue is found in multiple mammalian species, which suggests that this missense change does not adversely affect protein function. In summary, the available evidence is currently insufficient to determine the role of this variant in disease. Therefore, it has been classified as a Variant of Uncertain Significance.

NM_032608.7(MYO18B):c.1352G>A (p.Arg451Lys)

Gene: MYO18B (myosin XVIIIB; plus strand). Cytogenetic location: 22q12.1.
Variant type: single nucleotide variant.
Coding change: c.1352G>A on transcript NM_032608.7 (MANE Select); coding-DNA position 1352, G replaced by A.
Protein change: p.Arg451Lys; replaces arginine 451 with lysine.
Molecular consequence: missense variant.
Genome position (GRCh38, 1-based): chr22:25,769,268, G>A. VCF-style: chr22-25769268-G-A. GRCh37 (hg19) VCF-style: chr22-26165235-G-A.
Other names: c.1352G>A, p.Arg451Lys (NM_001318245.2); short protein forms R451K.
Identifiers: ClinVar variation 1507717 (VCV001507717.4), dbSNP rs755160843, ClinGen allele CA10159810.